The following is an entry in ClinVar:

NM_005609.4(PYGM):c.78_79del (p.Glu27fs)

Gene: PYGM (glycogen phosphorylase, muscle associated; minus strand). Cytogenetic location: 11q13.1.
Variant type: Deletion.
Coding change: c.78_79del on transcript NM_005609.4 (MANE Select); coding-DNA positions 78 to 79, 2 bases deleted (TG; older notation c.78_79delTG).
Protein change: p.Glu27fs; shifts the reading frame from glutamic acid 27.
Molecular consequence: frameshift variant.
Genome position (GRCh38, 1-based): chr11:64,759,820-64,759,821, CA deleted on the plus strand (TG on the coding strand, the reverse complement: PYGM is on the minus strand). VCF-style (leftmost placement, unchanged base first): chr11-64759819-TCA-T. GRCh37 (hg19) VCF-style: chr11-64527291-TCA-T.
Other names: c.78_79delTG (NM_005609.3, NM_005609.2); c.78_79del, p.Glu27fs (NM_001164716.1); short protein forms E27fs.
Identifiers: ClinVar variation 188778 (VCV000188778.22), dbSNP rs755117847, ClinGen allele CA273947.

ClinVar aggregate classification (germline): Pathogenic. Review status: criteria provided, multiple submitters, no conflicts (2 of 4 stars). 7 submissions from 7 submitters: Pathogenic (6). 1 of the submissions does not count toward it. Last evaluated 2025-11-14.

Conditions:
PYGM-related disorder. Also called: PYGM-related condition.
Glycogen storage disease, type V (GSD5). Also called: McArdle type glycogen storage disease; MCARDLE DISEASE; MUSCLE GLYCOGEN PHOSPHORYLASE DEFICIENCY; MYOPHOSPHORYLASE DEFICIENCY; PYGM DEFICIENCY. Identifiers: Orphanet 368, MedGen C0017924, MONDO:0009293, OMIM 232600.

Allele frequency attached by ClinVar (database versions not stated): ExAC 0.00001; gnomAD 0.00001; gnomAD exomes 0.00001; TOPMed 0.00002.

Submissions (7):

Natera, Inc.
Classification: Pathogenic for Glycogen storage disease V. Last evaluated: 2025-11-14. Review status: criteria provided, single submitter. Criteria: Natera Variant Classification Schema (03/2026). Collection method: clinical testing. Allele origin: germline.
Comment: The c.78_79delTG variant in PYGM is a frameshift variant predicted to shift the reading frame beginning at codon 27 and leads to a stop codon 50 codons downstream. This variant is expected to result in nonsense mediated decay, truncation, or a dysfunctional protein product. This variant is rare in the general population with a frequency below the threshold expected for the associated phenotype(s). This variant has been observed in one or more individuals affected with the associated recessive disease, as either homozygous or compound heterozygous with a second variant (PMID: 29143597, 17404776). Given the available evidence, this variant is classified as Pathogenic.

Myriad Genetics, Inc.
Classification: Pathogenic for Glycogen storage disease, type V. Last evaluated: 2025-07-22. Review status: criteria provided, single submitter. Criteria: Myriad Autosomal Dominant, Autosomal Recessive and X-Linked Classification Criteria (2023). Collection method: clinical testing. Allele origin: unknown.
Comment: NM_005609.2(PYGM):c.78_79delTG(E27Afs*50) is a frameshift variant classified as pathogenic in the context of glycogen storage disease, PYGM-related. E27Afs*50 has been observed in cases with relevant disease (PMID: 19670320, 15979037, 29926259, 17404776, 18067156, 16786513). Relevant functional assessments of this variant are not available in the literature. E27Afs*50 has been observed in referenced population frequency databases. In summary, NM_005609.2(PYGM):c.78_79delTG(E27Afs*50) is a frameshift variant in a gene where loss of function is a known mechanism of disease, is predicted to disrupt protein function, and has been observed more frequently in cases with the relevant disease than in healthy populations. Please note: this variant was assessed in the context of healthy population screening.

Labcorp Genetics (formerly Invitae), Labcorp
Classification: Pathogenic for Glycogen storage disease, type V. Last evaluated: 2023-09-19. Review status: criteria provided, single submitter. Criteria: Invitae Variant Classification Sherloc (09022015). Collection method: clinical testing. Allele origin: germline.
Comment: For these reasons, this variant has been classified as Pathogenic. ClinVar contains an entry for this variant (Variation ID: 188778). This variant is also known as T25fs. This premature translational stop signal has been observed in individual(s) with PYGM-related conditions (PMID: 15979037). This variant is present in population databases (rs755117847, gnomAD 0.002%). This sequence change creates a premature translational stop signal (p.Glu27Alafs*50) in the PYGM gene. It is expected to result in an absent or disrupted protein product. Loss-of-function variants in PYGM are known to be pathogenic (PMID: 8316268, 16786513).

Revvity Omics, Revvity
Classification: Pathogenic for Glycogen storage disease, type V. Last evaluated: 2023-04-20. Review status: criteria provided, single submitter. Criteria: ACMG Guidelines, 2015. Collection method: clinical testing. Allele origin: germline.

Blueprint Genetics
Classification: Pathogenic for PYGM-related disorders. Last evaluated: 2022-04-01. Review status: criteria provided, single submitter. Criteria: ACMG Guidelines, 2015. Collection method: clinical testing. Allele origin: germline. Affected: yes. Observed: 5 variant alleles.

GeneDx
Classification: Pathogenic. Last evaluated: 2020-01-07. Review status: criteria provided, single submitter. Criteria: GeneDx Variant Classification Process June 2021. Collection method: clinical testing. Allele origin: germline. Affected: yes.
Comment: Frameshift variant predicted to result in protein truncation or nonsense mediated decay in a gene for which loss-of-function is a known mechanism of disease; Not observed at a significant frequency in large population cohorts (Lek et al., 2016); This variant is associated with the following publications: (PMID: 18067156, 19670320, 15979037, 29926259, 29143597, 21802952, 17404776, 16786513, 32528171)

Counsyl
Classification: Likely pathogenic for Glycogen storage disease, type V. Last evaluated: 2014-05-13. Review status: no assertion criteria provided. Collection method: literature only. Allele origin: unknown. Inheritance: Autosomal recessive inheritance. Not counted in ClinVar's aggregate classification.

Literature cited by the submitters: PubMed 29143597 (cited by Natera, Inc.); PubMed 17404776 (cited by 3 submitters); PubMed 15979037 (cited by 3 submitters); PubMed 16786513 (cited by 3 submitters); PubMed 18067156 (cited by Myriad Genetics, Inc. and Counsyl); PubMed 19670320 (cited by Myriad Genetics, Inc. and Counsyl); PubMed 29926259 (cited by Myriad Genetics, Inc.); PubMed 8316268 (cited by Labcorp Genetics (formerly Invitae), Labcorp).